The following is an entry in ClinVar:

NM_000548.5(TSC2):c.2790_2793del (p.Asp931fs)

Gene: TSC2 (TSC complex subunit 2; plus strand). Cytogenetic location: 16p13.3.
Variant type: Deletion.
Coding change: c.2790_2793del on transcript NM_000548.5 (MANE Select); coding-DNA positions 2790 to 2793, 4 bases deleted (GGAC; older notation c.2790_2793delGGAC).
Protein change: p.Asp931fs; shifts the reading frame from aspartic acid 931.
Molecular consequence: frameshift variant. On other transcripts: non-coding transcript variant (5).
Genome position (GRCh38, 1-based): chr16:2,076,538-2,076,541, GGAC deleted. VCF-style (leftmost placement, unchanged base first): chr16-2076537-AGGAC-A. GRCh37 (hg19) VCF-style: chr16-2126538-AGGAC-A.
Other names: c.2823_2826del, p.Asp942fs (NM_001318832.2); c.2790_2793del, p.Asp931fs (NM_001406663.1, NM_001406664.1, NM_001406665.1 and 6 more transcripts); c.1446_1449del, p.Asp483fs (NM_001406691.1, NM_001406692.1, NM_001406693.1 and 6 more transcripts); c.2880_2883del, p.Asp961fs (NM_001406667.1, NM_001406668.1); c.2679_2682del, p.Asp894fs (NM_001406670.1, NM_001406678.1, NM_001318827.2); c.2778_2781del, p.Asp927fs (NM_001406671.1, NM_001406673.1); c.2190_2193del, p.Asp731fs (NM_001406684.1, NM_001406685.1, NM_001406686.1 and 6 more transcripts); c.1188_1191del, p.Asp397fs (NM_001406698.1); and 3 more; short protein forms D894fs, D931fs, D483fs, D777fs, D912fs, D927fs, D942fs, D397fs.
Identifiers: ClinVar variation 2762053 (VCV002762053.3), dbSNP rs2543931114, ClinGen allele CA2697549512.
Genomic context (GRCh38, chr16:2,076,537, plus strand): 5'-GCTCACTCTGCCAGGGCCTGCGGTCCAATGTCCTCTTGTCTTTTGATGACACCCCCGAGA[AGGAC>A]AGCTTCAGGGCCCGGAGTACTAGTCTCAACGAGAGACCCAAGAGGTACGGCCTGCGGGGG-3'

ClinVar aggregate classification (germline): Pathogenic (1 of 4 stars; one submission).

Conditions:
Tuberous sclerosis 2 (TSC2). Identifiers: Orphanet 805, MedGen C1860707, MONDO:0013199, OMIM 613254.

Submission:

Labcorp Genetics (formerly Invitae), Labcorp
Classification: Pathogenic for Tuberous sclerosis 2. Last evaluated: 2023-09-20. Review status: criteria provided, single submitter. Criteria: Invitae Variant Classification Sherloc (09022015). Collection method: clinical testing. Allele origin: germline.
Comment: For these reasons, this variant has been classified as Pathogenic. This variant has not been reported in the literature in individuals affected with TSC2-related conditions. This variant is not present in population databases (gnomAD no frequency). This sequence change creates a premature translational stop signal (p.Asp931Alafs*16) in the TSC2 gene. It is expected to result in an absent or disrupted protein product. Loss-of-function variants in TSC2 are known to be pathogenic (PMID: 10205261, 17304050).

Literature cited by the submitters: PubMed 10205261; PubMed 17304050.